The following is an entry in ClinVar:

ClinVar aggregate classification (germline): Uncertain significance. Review status: criteria provided, multiple submitters, no conflicts (2 of 4 stars). 4 submissions from 4 submitters: Uncertain significance (4). Last evaluated 2026-01-27.

Conditions:
Arrhythmogenic cardiomyopathy with wooly hair and keratoderma. Also called: Carvajal syndrome; PALMOPLANTAR KERATODERMA WITH LEFT VENTRICULAR CARDIOMYOPATHY AND WOOLLY HAIR; Dilated cardiomyopathy with woolly hair and keratoderma; Arrhythmogenic cardiomyopathy with woolly hair and keratoderma. Identifiers: Orphanet 65282, MedGen C1854063, MONDO:0011581, OMIM 605676.
Arrhythmogenic right ventricular dysplasia 8 (ARVD8). Also called: Arrhythmogenic Right Ventricular Dysplasia/Cardiomyopathy 8; ARRHYTHMOGENIC RIGHT VENTRICULAR DYSPLASIA, FAMILIAL, 8; ARRHYTHMOGENIC RIGHT VENTRICULAR CARDIOMYOPATHY 8. Identifiers: MedGen C1843896, MONDO:0011831, OMIM 607450.
Cardiovascular phenotype. Identifiers: MedGen CN230736.

Allele frequency attached by ClinVar (database versions not stated): gnomAD exomes below 0.00001; TOPMed below 0.00001.
gnomAD v4.1: 1 of 1,614,182 alleles (0.000062%); highest among the groups gnomAD compares: Non-Finnish European, 0.000085%; no homozygotes.

Submissions (4):

GeneDx
Classification: Uncertain significance. Last evaluated: 2026-01-27. Review status: criteria provided, single submitter. Criteria: GeneDx Variant Classification Process June 2021. Collection method: clinical testing. Allele origin: germline.
Comment: Not observed at significant frequency in large population cohorts (gnomAD); In silico analysis supports that this missense variant has a deleterious effect on protein structure/function; Has not been previously published as pathogenic or benign to our knowledge

Ambry Genetics
Classification: Uncertain significance for Cardiovascular phenotype. Last evaluated: 2025-01-15. Review status: criteria provided, single submitter. Criteria: Ambry Variant Classification Scheme 2023. Collection method: clinical testing. Allele origin: germline.
Comment: The p.E1272G variant (also known as c.3815A>G), located in coding exon 23 of the DSP gene, results from an A to G substitution at nucleotide position 3815. The glutamic acid at codon 1272 is replaced by glycine, an amino acid with similar properties. This amino acid position is well conserved in available vertebrate species. In addition, the in silico prediction for this alteration is inconclusive. Based on the available evidence, the clinical significance of this variant remains unclear.

All of Us Research Program, National Institutes of Health
Classification: Uncertain significance for Arrhythmogenic cardiomyopathy with wooly hair and keratoderma. Last evaluated: 2024-05-09. Review status: criteria provided, single submitter. Criteria: ACMG Guidelines, 2015. Collection method: clinical testing. Allele origin: germline. Inheritance: Autosomal dominant inheritance. Observed: 1 variant allele, 1 heterozygote.
Comment: This study involves interpretation of variants in research participants for the purpose of population health screening. Participant phenotype was not available at the time of variant classification. Additional details can be found in publication PMID: 35346344, PMCID: PMC8962531

Labcorp Genetics (formerly Invitae), Labcorp
Classification: Uncertain significance for Arrhythmogenic cardiomyopathy with wooly hair and keratoderma; Arrhythmogenic right ventricular dysplasia 8. Last evaluated: 2022-04-15. Review status: criteria provided, single submitter. Criteria: Invitae Variant Classification Sherloc (09022015). Collection method: clinical testing. Allele origin: germline.
Comment: This sequence change replaces glutamic acid, which is acidic and polar, with glycine, which is neutral and non-polar, at codon 1272 of the DSP protein (p.Glu1272Gly). This variant is not present in population databases (gnomAD no frequency). This variant has not been reported in the literature in individuals affected with DSP-related conditions. Algorithms developed to predict the effect of missense changes on protein structure and function (SIFT, PolyPhen-2, Align-GVGD) all suggest that this variant is likely to be disruptive. In summary, the available evidence is currently insufficient to determine the role of this variant in disease. Therefore, it has been classified as a Variant of Uncertain Significance.

NM_004415.4(DSP):c.3815A>G (p.Glu1272Gly)

Gene: DSP (desmoplakin; plus strand). Cytogenetic location: 6p24.3.
Variant type: single nucleotide variant.
Coding change: c.3815A>G on transcript NM_004415.4 (MANE Select); coding-DNA position 3815, A replaced by G.
Protein change: p.Glu1272Gly; replaces glutamic acid 1272 with glycine.
Molecular consequence: missense variant. On other transcripts: intron variant (1).
Genome position (GRCh38, 1-based): chr6:7,580,005, A>G. VCF-style: chr6-7580005-A-G. GRCh37 (hg19) VCF-style: chr6-7580238-A-G.
Other names: c.3815A>G, p.Glu1272Gly (NM_001319034.2); c.3582+233A>G (NM_001008844.3); short protein forms E1272G.
Identifiers: ClinVar variation 2413475 (VCV002413475.12), dbSNP rs1759370500, ClinGen allele CA362684912.